The following is an entry in ClinVar:

NM_003476.5(CSRP3):c.437G>A (p.Arg146His)

Gene: CSRP3 (cysteine and glycine rich protein 3; minus strand). Cytogenetic location: 11p15.1.
Variant type: single nucleotide variant.
Coding change: c.437G>A on transcript NM_003476.5 (MANE Select); coding-DNA position 437, G replaced by A.
Protein change: p.Arg146His; replaces arginine 146 with histidine.
Molecular consequence: missense variant.
Genome position (GRCh38, 1-based): chr11:19,185,023, C>T on the plus strand (G>A on the coding strand, the complement: CSRP3 is on the minus strand). VCF-style: chr11-19185023-C-T. GRCh37 (hg19) VCF-style: chr11-19206570-C-T.
Other names: c.268G>A, p.Ala90Thr (NM_001369404.1); short protein forms R146H, A90T.
Identifiers: ClinVar variation 163009 (VCV000163009.26), dbSNP rs377066670, ClinGen allele CA175600.

ClinVar aggregate classification (germline): Uncertain significance. Review status: criteria provided, multiple submitters, no conflicts (2 of 4 stars). 12 submissions from 12 submitters: Uncertain significance (8). 4 of the submissions do not count toward it. Last evaluated 2026-08-03.

Conditions:
Cardiovascular phenotype. Identifiers: MedGen CN230736.
CSRP3-related disorder. Also called: CSRP3-related condition; CSRP3-related disorders.
Hypertrophic cardiomyopathy 12. Identifiers: MedGen C2677491, MONDO:0012804, OMIM 612124.
Dilated cardiomyopathy 1M (CMD1M). Identifiers: Orphanet 154, MedGen C1843808, MONDO:0011840, OMIM 607482.
Cardiomyopathy (CMYO). Also called: Cardiomyopathies. Identifiers: Orphanet 167848, MedGen C0878544, MONDO:0004994, HP:0001638. Inheritance: Various modes of inheritance.
Prolonged QT interval. Identifiers: MedGen C0151878, HP:0001657.
Hypertrophic cardiomyopathy. Also called: HYPERTROPHIC MYOCARDIOPATHY. Identifiers: Orphanet 217569, MedGen C0007194, MeSH D002312, MONDO:0005045, HP:0001639.

Allele frequency attached by ClinVar (database versions not stated): ExAC 0.00002; gnomAD 0.00002 and 0.00003; gnomAD exomes 0.00002; TOPMed 0.00004; ESP Exome Variant Server 0.00008.
gnomAD v4.1: 39 of 1,614,156 alleles (0.0024%); highest among the groups gnomAD compares: Middle Eastern, 0.016%; no homozygotes.

Submissions (12):

PreventionGenetics, part of Exact Sciences
Classification: Uncertain significance for CSRP3-related condition. Last evaluated: 2026-08-03. Review status: criteria provided, single submitter. Criteria: ACMG Guidelines, 2015. Collection method: clinical testing. Allele origin: germline.
Comment: The CSRP3 c.437G>A variant is predicted to result in the amino acid substitution p.Arg146His. This variant was reported as a variant of uncertain significance in individuals with hypertrophic cardiomyopathy or long QT syndrome (Table S2, Burns et al. 2017. PubMed ID: 28790153; Robyns et al. 2017. PubMed ID: 29255176; Supplementary file 2, van Lint et al. 2019 PubMed ID: 30847666). This variant is reported in 0.0054% of alleles in individuals of East Asian descent in gnomAD. A different nucleotide substitution affecting the same amino acid (p.Arg146Cys) has been reported in individuals with hypertrophic cardiomyopathy (Table S2, Burns et al. 2017. PubMed ID: 28790153). At this time, the clinical significance of the c.437G>A (p.Arg146His) variant is uncertain due to the absence of conclusive functional and genetic evidence.

Labcorp Genetics (formerly Invitae), Labcorp
Classification: Uncertain significance for Hypertrophic cardiomyopathy 12; Dilated cardiomyopathy 1M. Last evaluated: 2025-12-24. Review status: criteria provided, single submitter. Criteria: Invitae Variant Classification Sherloc (09022015). Collection method: clinical testing. Allele origin: germline.
Comment: This sequence change replaces arginine, which is basic and polar, with histidine, which is basic and polar, at codon 146 of the CSRP3 protein (p.Arg146His). This variant is present in population databases (rs377066670, gnomAD 0.01%). This missense change has been observed in individual(s) with hypertrophic cardiomyopathy (PMID: 28790153). ClinVar contains an entry for this variant (Variation ID: 163009). An algorithm developed to predict the effect of missense changes on protein structure and function (PolyPhen-2) suggests that this variant is likely to be disruptive. In summary, the available evidence is currently insufficient to determine the role of this variant in disease. Therefore, it has been classified as a Variant of Uncertain Significance.

Ambry Genetics
Classification: Uncertain significance for Cardiovascular phenotype. Last evaluated: 2023-11-17. Review status: criteria provided, single submitter. Criteria: Ambry Variant Classification Scheme 2023. Collection method: clinical testing. Allele origin: germline.
Comment: The p.R146H variant (also known as c.437G>A), located in coding exon 4 of the CSRP3 gene, results from a G to A substitution at nucleotide position 437. The arginine at codon 146 is replaced by histidine, an amino acid with highly similar properties. This alteration has been reported in cardiomyopathy cohorts; however, clinical details were limited (Robyns T et al. Eur J Hum Genet, 2017 Dec;25:1313-1323; Burns C et al. Circ Cardiovasc Genet, 2017 Aug;10:[ePub ahead of print]; van Lint FHM et al. Neth Heart J, 2019 Jun;27:304-309). This amino acid position is highly conserved in available vertebrate species. In addition, this alteration is predicted to be deleterious by in silico analysis. Since supporting evidence is limited at this time, the clinical significance of this alteration remains unclear.

Fulgent Genetics
Classification: Uncertain significance for Dilated cardiomyopathy 1M; Hypertrophic cardiomyopathy 12. Last evaluated: 2021-07-26. Review status: criteria provided, single submitter. Criteria: ACMG Guidelines, 2015. Collection method: clinical testing. Allele origin: unknown.

Center for Human Genetics, University of Leuven
Classification: Uncertain significance for Prolonged QT interval. Last evaluated: 2017-04-30. Review status: criteria provided, single submitter. Criteria: ACMG Guidelines, 2015. Collection method: clinical testing. Allele origin: germline. Inheritance: Autosomal dominant inheritance. Affected: yes.

CHEO Genetics Diagnostic Laboratory, Children's Hospital of Eastern Ontario
Classification: Uncertain significance for Cardiomyopathy. Last evaluated: 2016-07-11. Review status: criteria provided, single submitter. Criteria: ACMG Guidelines, 2015. Collection method: clinical testing. Allele origin: germline. Study: Canadian Open Genetics Repository.

Laboratory for Molecular Medicine, Mass General Brigham Personalized Medicine
Classification: Uncertain significance. Last evaluated: 2014-03-21. Review status: criteria provided, single submitter. Criteria: LMM Criteria. Collection method: clinical testing. Allele origin: germline. Observed: 1 variant allele.
Comment: The Arg146His variant in CSRP3 has not been previously reported in individuals w ith cardiomyopathy, but has been identified in 1/8586 European American chromoso mes by the NHLBI Exome Sequencing Project. Co mputational prediction tools and conservation analysis suggest that the Arg146Hi s variant may impact the protein, though this information is not predictive enou gh to determine pathogenicity. Additional information is needed to fully assess the clinical significance of the Arg146His variant.

Juno Genomics, Hangzhou Juno Genomics, Inc
Classification: Uncertain significance for Dilated cardiomyopathy 1M; Hypertrophic cardiomyopathy 12. Review status: criteria provided, single submitter. Criteria: ACMG Guidelines, 2015. Collection method: clinical testing. Allele origin: germline. Affected: yes.
Comment: Absent from controls (or at extremely low frequency if recessive) in Genome Aggregation Database, Exome Sequencing Project, 1000 Genomes Project, or Exome Aggregation Consortium.;Multiple lines of computational evidence support a deleterious effect on the gene or gene product (conservation, evolutionary, splicing impact, etc).;The prevalence of the variant in affected individuals is significantly increased compared to the prevalence in controls.

Agnes Ginges Centre for Molecular Cardiology, Centenary Institute
Classification: Uncertain significance for Hypertrophic cardiomyopathy. Last evaluated: 2019-11-28. Review status: no assertion criteria provided. Collection method: research. Allele origin: germline. Inheritance: Autosomal dominant inheritance. Affected: yes. Not counted in ClinVar's aggregate classification.
Comment: The CSRP3 Arg146His variant is present in the Genome Aggregation Database at an allele frequency of 0.00002. Interestingly, a different rare variant at this position (Arg146Cys) has been reported in cardiomyopathy patients. Computational tools SIFT, MutationTaster, and PolyPhen-2 predict this variant to have a deleterious effect. Although there is evidence to suggest that CSRP3 variants are associated with HCM (Geier C. et al., 2008), further investigation is required to fully understand the role of CSRP3 Arg146His in disease pathogenesis. Hence, we classify CSRP3 Arg146His as a variant of "uncertain significance".

Clinical Genetics, Academic Medical Center
Classification: Uncertain significance. Review status: no assertion criteria provided. Collection method: clinical testing. Allele origin: germline. Affected: yes. Study: VKGL Data-share Consensus. Not counted in ClinVar's aggregate classification.

Diagnostic Laboratory, Department of Genetics, University Medical Center Groningen
Classification: Uncertain significance. Review status: no assertion criteria provided. Collection method: clinical testing. Allele origin: germline. Affected: yes. Study: VKGL Data-share Consensus. Not counted in ClinVar's aggregate classification.

Joint Genome Diagnostic Labs from Nijmegen and Maastricht, Radboudumc and MUMC+
Classification: Uncertain significance. Review status: no assertion criteria provided. Collection method: clinical testing. Allele origin: germline. Affected: yes. Study: VKGL Data-share Consensus. Not counted in ClinVar's aggregate classification.

Literature cited by the submitters: PubMed 28790153 (cited by Labcorp Genetics (formerly Invitae), Labcorp and Ambry Genetics); PubMed 29255176 (cited by Ambry Genetics); PubMed 30847666 (cited by Ambry Genetics).